The following is an entry in ClinVar:

ClinVar aggregate classification (germline): Uncertain significance (1 of 4 stars; one submission).

Allele frequency attached by ClinVar (database versions not stated): ExAC 0.00001.
gnomAD v4.1: 4 of 1,586,564 alleles (0.00025%); highest among the groups gnomAD compares: East Asian, 0.0023%; no homozygotes.

Submission:

Labcorp Genetics (formerly Invitae), Labcorp
Classification: Uncertain significance. Last evaluated: 2023-02-08. Review status: criteria provided, single submitter. Criteria: Invitae Variant Classification Sherloc (09022015). Collection method: clinical testing. Allele origin: germline.
Comment: This sequence change replaces glycine, which is neutral and non-polar, with aspartic acid, which is acidic and polar, at codon 357 of the GRIN2D protein (p.Gly357Asp). The frequency data for this variant in the population databases is considered unreliable, as metrics indicate poor data quality at this position in the gnomAD database. This variant has not been reported in the literature in individuals affected with GRIN2D-related conditions. Advanced modeling of protein sequence and biophysical properties (such as structural, functional, and spatial information, amino acid conservation, physicochemical variation, residue mobility, and thermodynamic stability) performed at Invitae indicates that this missense variant is not expected to disrupt GRIN2D protein function. In summary, the available evidence is currently insufficient to determine the role of this variant in disease. Therefore, it has been classified as a Variant of Uncertain Significance.

NM_000836.4(GRIN2D):c.1070G>A (p.Gly357Asp)

Gene: GRIN2D (glutamate ionotropic receptor NMDA type subunit 2D; plus strand). Cytogenetic location: 19q13.33.
Variant type: single nucleotide variant.
Coding change: c.1070G>A on transcript NM_000836.4 (MANE Select); coding-DNA position 1070, G replaced by A.
Protein change: p.Gly357Asp; replaces glycine 357 with aspartic acid.
Molecular consequence: missense variant.
Genome position (GRCh38, 1-based): chr19:48,405,338, G>A. VCF-style: chr19-48405338-G-A. GRCh37 (hg19) VCF-style: chr19-48908595-G-A.
Other names: short protein forms G357D.
Identifiers: ClinVar variation 2835523 (VCV002835523.3), dbSNP rs780757404, ClinGen allele CA9550449.